The following is an entry in ClinVar:

NM_000051.4(ATM):c.6833T>G (p.Ile2278Ser)

Genes: ATM (ATM serine/threonine kinase; plus strand), C11orf65 (chromosome 11 open reading frame 65; minus strand). Cytogenetic location: 11q22.3.
Variant type: single nucleotide variant.
Coding change: c.6833T>G on transcript NM_000051.4 (MANE Select); coding-DNA position 6833, T replaced by G.
Protein change: p.Ile2278Ser; replaces isoleucine 2278 with serine.
Molecular consequence: missense variant. On other transcripts: intron variant (2).
Genome position (GRCh38, 1-based): chr11:108,326,083, T>G. VCF-style: chr11-108326083-T-G. GRCh37 (hg19) VCF-style: chr11-108196810-T-G.
Other names: c.6833T>G, p.Ile2278Ser (NM_001351834.2); c.641-17012A>C (NM_001330368.2); c.*38+9137A>C (NM_001351110.2); short protein forms I2278S.
Identifiers: ClinVar variation 4747247 (VCV004747247.1).

ClinVar aggregate classification (germline): Uncertain significance (1 of 4 stars; one submission).

Conditions:
Ataxia-telangiectasia syndrome (AT). Also called: LOUIS-BAR SYNDROME; Cerebello-oculocutaneous telangiectasia; Immunodeficiency with ataxia telangiectasia; Ataxia-telangiectasia, complementation group D; AT, COMPLEMENTATION GROUP C; ATAXIA-TELANGIECTASIA, COMPLEMENTATION GROUP A. Identifiers: Orphanet 100, MedGen C0004135, MONDO:0008840, OMIM 208900.

Submission:

Labcorp Genetics (formerly Invitae), Labcorp
Classification: Uncertain significance for Ataxia-telangiectasia syndrome. Last evaluated: 2025-10-13. Review status: criteria provided, single submitter. Criteria: Invitae Variant Classification Sherloc (09022015). Collection method: clinical testing. Allele origin: germline.
Comment: This sequence change replaces isoleucine, which is neutral and non-polar, with serine, which is neutral and polar, at codon 2278 of the ATM protein (p.Ile2278Ser). This variant is not present in population databases (gnomAD no frequency). This variant has not been reported in the literature in individuals affected with ATM-related conditions. Invitae Evidence Modeling of protein sequence and biophysical properties (such as structural, functional, and spatial information, amino acid conservation, physicochemical variation, residue mobility, and thermodynamic stability) has been performed for this missense variant. However, the output from this modeling did not meet the statistical confidence thresholds required to predict the impact of this variant on ATM protein function. In summary, the available evidence is currently insufficient to determine the role of this variant in disease. Therefore, it has been classified as a Variant of Uncertain Significance.